The following is an entry in ClinVar:

NM_201384.3(PLEC):c.5603G>A (p.Arg1868Gln)

Gene: PLEC (plectin; minus strand). Cytogenetic location: 8q24.3.
Variant type: single nucleotide variant.
Coding change: c.5603G>A on transcript NM_201384.3 (MANE Select); coding-DNA position 5603, G replaced by A.
Protein change: p.Arg1868Gln; replaces arginine 1868 with glutamine.
Molecular consequence: missense variant. On other transcripts: intron variant (1).
Genome position (GRCh38, 1-based): chr8:143,924,326, C>T on the plus strand (G>A on the coding strand, the complement: PLEC is on the minus strand). VCF-style: chr8-143924326-C-T. GRCh37 (hg19) VCF-style: chr8-144998494-C-T.
Other names: p.Arg1895Gln; c.5684G>A, p.Arg1895Gln (NM_000445.5); c.5561G>A, p.Arg1854Gln (NM_201378.4); c.5537G>A, p.Arg1846Gln (NM_201379.3); c.6014G>A, p.Arg2005Gln (NM_201380.4); c.5507G>A, p.Arg1836Gln (NM_201381.3); c.5603G>A, p.Arg1868Gln (NM_201382.4); c.5615G>A, p.Arg1872Gln (NM_201383.3); and 1 more; short protein forms R1846Q, R1895Q, R2005Q, R1836Q, R1868Q, R1854Q, R1872Q.
Identifiers: ClinVar variation 4541406 (VCV004541406.1).

ClinVar aggregate classification (germline): Uncertain significance (1 of 4 stars; one submission).

gnomAD v4.1: 13 of 1,595,756 alleles (0.00081%); highest among the groups gnomAD compares: East Asian, 0.0067%; no homozygotes.

Submission:

Mayo Clinic Laboratories, Mayo Clinic
Classification: Uncertain significance. Last evaluated: 2025-11-09. Review status: criteria provided, single submitter. Criteria: ACMG Guidelines, 2015. Collection method: clinical testing. Allele origin: germline. Observed: 1 variant allele.
Comment: PM2_supporting